The following is an entry in ClinVar:

NM_005911.6(MAT2A):c.1172A>G (p.Lys391Arg)

Genes: MAT2A (methionine adenosyltransferase 2A; plus strand), GGCX (gamma-glutamyl carboxylase; minus strand). Cytogenetic location: 2p11.2.
Variant type: single nucleotide variant.
Coding change: c.1172A>G on transcript NM_005911.6 (MANE Select); coding-DNA position 1172, A replaced by G.
Protein change: p.Lys391Arg; replaces lysine 391 with arginine.
Molecular consequence: missense variant.
Genome position (GRCh38, 1-based): chr2:85,543,756, A>G. VCF-style: chr2-85543756-A-G. GRCh37 (hg19) VCF-style: chr2-85770879-A-G.
Other names: c.1172A>G (NM_005911.5); short protein forms K391R.
Identifiers: ClinVar variation 1398870 (VCV001398870.9), dbSNP rs1236378217, ClinGen allele CA347479442.

ClinVar aggregate classification (germline): Uncertain significance. Review status: criteria provided, multiple submitters, no conflicts (2 of 4 stars). 2 submissions from 2 submitters: Uncertain significance (2). Last evaluated 2025-11-26.

Conditions:
Cardiovascular phenotype. Identifiers: MedGen CN230736.
Familial thoracic aortic aneurysm and aortic dissection (TAAD). Also called: Thoracic aortic aneurysms and dissections. Identifiers: Orphanet 91387, MedGen C4707243, MONDO:0019625.

Allele frequency attached by ClinVar (database versions not stated): gnomAD exomes below 0.00001; TOPMed below 0.00001.

Submissions (2):

Ambry Genetics
Classification: Uncertain significance for Cardiovascular phenotype. Last evaluated: 2025-11-26. Review status: criteria provided, single submitter. Criteria: Ambry Variant Classification Scheme 2023. Collection method: clinical testing. Allele origin: germline.

Labcorp Genetics (formerly Invitae), Labcorp
Classification: Uncertain significance for Familial thoracic aortic aneurysm and aortic dissection. Last evaluated: 2022-05-17. Review status: criteria provided, single submitter. Criteria: Invitae Variant Classification Sherloc (09022015). Collection method: clinical testing. Allele origin: germline.
Comment: This variant has not been reported in the literature in individuals affected with MAT2A-related conditions. This variant is present in population databases (no rsID available, gnomAD 0.0009%). Algorithms developed to predict the effect of missense changes on protein structure and function output the following: SIFT: "Tolerated"; PolyPhen-2: "Benign"; Align-GVGD: "Class C0". The arginine amino acid residue is found in multiple mammalian species, which suggests that this missense change does not adversely affect protein function. In summary, the available evidence is currently insufficient to determine the role of this variant in disease. Therefore, it has been classified as a Variant of Uncertain Significance. This sequence change replaces lysine, which is basic and polar, with arginine, which is basic and polar, at codon 391 of the MAT2A protein (p.Lys391Arg).